The following is an entry in ClinVar:

NM_000257.4(MYH7):c.2206A>T (p.Ile736Phe)

Gene: MYH7 (myosin heavy chain 7; minus strand). Cytogenetic location: 14q11.2.
Variant type: single nucleotide variant.
Coding change: c.2206A>T on transcript NM_000257.4 (MANE Select); coding-DNA position 2206, A replaced by T.
Protein change: p.Ile736Phe; replaces isoleucine 736 with phenylalanine.
Molecular consequence: missense variant.
Genome position (GRCh38, 1-based): chr14:23,425,775, T>A on the plus strand (A>T on the coding strand, the complement: MYH7 is on the minus strand). VCF-style: chr14-23425775-T-A. GRCh37 (hg19) VCF-style: chr14-23894984-T-A.
Other names: c.2206A>T, p.Ile736Phe (NM_001407004.1); short protein forms I736F.
Identifiers: ClinVar variation 2625307 (VCV002625307.2), dbSNP rs397516138, ClinGen allele CA389048912.
Genomic context (GRCh38, chr14:23,425,775, plus strand): 5'-ACTGGTTGTGATCAATGTCCAGGGAGCTGAGCAGCTTCTCTGCCCCCTTCCTGCTATCAA[T>A]GAACTGTCCCTCAGGGATGGCCGCTGGGTTCAGGATGCGATACCTGAGGAGGGAAGTGTC-3'
Protein context (NP_000248.2, residues 726-746): NPAAIPEGQF[Ile736Phe]DSRKGAEKLL

ClinVar aggregate classification (germline): Uncertain significance (1 of 4 stars; one submission).

Conditions:
Cardiovascular phenotype. Identifiers: MedGen CN230736.

Submission:

Ambry Genetics
Classification: Uncertain significance for Cardiovascular phenotype. Last evaluated: 2023-06-21. Review status: criteria provided, single submitter. Criteria: Ambry Variant Classification Scheme 2023. Collection method: clinical testing. Allele origin: germline.
Comment: The p.I736F variant (also known as c.2206A>T), located in coding exon 18 of the MYH7 gene, results from an A to T substitution at nucleotide position 2206. The isoleucine at codon 736 is replaced by phenylalanine, an amino acid with highly similar properties. This alteration is located in the myosin head domain, which contains a statistically significant clustering of pathogenic missense variants (Homburger JR et al. Proc Natl Acad Sci U S A, 2016 06;113:6701-6; Walsh R et al. Genet Med, 2017 02;19:192-203; Ambry internal data). This amino acid position is highly conserved in available vertebrate species. In addition, the in silico prediction for this alteration is inconclusive. Since supporting evidence is limited at this time, the clinical significance of this alteration remains unclear.